The following is an entry in ClinVar:

NM_021072.4(HCN1):c.1534del (p.Met512fs)

Gene: HCN1 (hyperpolarization activated cyclic nucleotide gated potassium channel 1; minus strand). Cytogenetic location: 5p12.
Variant type: Deletion.
Coding change: c.1534del on transcript NM_021072.4 (MANE Select); coding-DNA position 1534, one base deleted (A; older notation c.1534delA).
Protein change: p.Met512fs; shifts the reading frame from methionine 512.
Molecular consequence: frameshift variant.
Genome position (GRCh38, 1-based): chr5:45,303,683, T deleted on the plus strand (A on the coding strand, the reverse complement: HCN1 is on the minus strand); the first of 7 consecutive T bases (chr5:45,303,683-45,303,689); deleting any one gives the same sequence. VCF-style (leftmost placement, unchanged base first): chr5-45303682-AT-A. GRCh37 (hg19) VCF-style: chr5-45303784-AT-A.
Other names: short protein forms M512fs.
Identifiers: ClinVar variation 4278527 (VCV004278527.1).
Genomic context (GRCh38, chr5:45,303,682, plus strand): 5'-AGCTTCATTTCTTTACTGGATTTTGTAATGACACCAGCAACACCGTGTTGAATGAAATAC[AT>A]TTTTTTACCCACGGCTCCTTCTCGTATGATATAATCTCCAGGTTGAAACACCTCAAATCT-3'

ClinVar aggregate classification (germline): Uncertain significance (1 of 4 stars; one submission).

Submission:

GeneDx
Classification: Uncertain significance. Last evaluated: 2025-04-03. Review status: criteria provided, single submitter. Criteria: GeneDx Variant Classification Process June 2021. Collection method: clinical testing. Allele origin: germline. Affected: yes.
Comment: Not observed at significant frequency in large population cohorts (gnomAD); Frameshift variant predicted to result in protein truncation or nonsense mediated decay in a gene or region of a gene for which loss of function is not a well-established mechanism of disease; Has not been previously published as pathogenic or benign to our knowledge